The following is an entry in ClinVar:

ClinVar aggregate classification (germline): Conflicting classifications of pathogenicity. Review status: criteria provided, conflicting classifications (1 of 4 stars). 2 submissions from 2 submitters: Pathogenic (1); Uncertain significance (1). Last evaluated 2024-04-02.

Conditions:
Thrombophilia, X-linked, due to factor 9 defect. Identifiers: MedGen C2749016, MONDO:0010432, OMIM 300807.

Allele frequency attached by ClinVar (database versions not stated): gnomAD exomes below 0.00001 and 0.00001; ExAC 0.00001; TOPMed 0.00001.

Submissions (2):

Women's Health and Genetics/Laboratory Corporation of America, LabCorp
Classification: Uncertain significance. Last evaluated: 2024-04-02. Review status: criteria provided, single submitter. Criteria: LabCorp Variant Classification Summary - May 2015. Collection method: clinical testing. Allele origin: germline.
Comment: Variant summary: F9 c.890T>A (p.Ile297Asn) results in a non-conservative amino acid change located in the Serine proteases, trypsin domain (IPR001254) of the encoded protein sequence. Four of five in-silico tools predict a benign effect of the variant on protein function. The variant allele was found at a frequency of 5.6e-06 in 179145 control chromosomes (gnomAD). The available data on variant occurrences in the general population are insufficient to allow any conclusion about variant significance. c.890T>A has been reported in the literature in an individual affected with Factor IX Deficiency (Hemophilia B; Saad_1994). These data do not allow any conclusion about variant significance. To our knowledge, no experimental evidence demonstrating an impact on protein function has been reported. The following publication has been ascertained in the context of this evaluation (PMID: 8091381). ClinVar contains an entry for this variant (Variation ID: 1685802). Based on the evidence outlined above, the variant was classified as uncertain significance.

Mendelics
Classification: Pathogenic for Thrombophilia, X-linked, due to factor 9 defect. Last evaluated: 2022-05-04. Review status: criteria provided, single submitter. Criteria: Mendelics Assertion Criteria 2019. Collection method: clinical testing. Allele origin: germline.

Literature cited by the submitters: PubMed 8091381 (cited by Women's Health and Genetics/Laboratory Corporation of America, LabCorp).

NM_000133.4(F9):c.890T>A (p.Ile297Asn)

Gene: F9 (coagulation factor IX; plus strand). Cytogenetic location: Xq27.1.
Variant type: single nucleotide variant.
Coding change: c.890T>A on transcript NM_000133.4 (MANE Select); coding-DNA position 890, T replaced by A.
Protein change: p.Ile297Asn; replaces isoleucine 297 with asparagine.
Molecular consequence: missense variant.
Genome position (GRCh38, 1-based): chrX:139,561,575, T>A. VCF-style: chrX-139561575-T-A. GRCh37 (hg19) VCF-style: chrX-138643734-T-A.
Other names: c.776T>A, p.Ile259Asn (NM_001313913.2); short protein forms I259N, I297N.
Identifiers: ClinVar variation 1685802 (VCV001685802.2), dbSNP rs752084251, ClinGen allele CA10529852.